The following is an entry in ClinVar:

NM_014679.5(CEP57):c.1172T>C (p.Val391Ala)

Gene: CEP57 (centrosomal protein 57; plus strand). Cytogenetic location: 11q21.
Variant type: single nucleotide variant.
Coding change: c.1172T>C on transcript NM_014679.5 (MANE Select); coding-DNA position 1172, T replaced by C.
Protein change: p.Val391Ala; replaces valine 391 with alanine.
Molecular consequence: missense variant.
Genome position (GRCh38, 1-based): chr11:95,829,231, T>C. VCF-style: chr11-95829231-T-C. GRCh37 (hg19) VCF-style: chr11-95562395-T-C.
Other names: c.1145T>C, p.Val382Ala (NM_001243776.2); c.1094T>C, p.Val365Ala (NM_001243777.2); c.1091T>C, p.Val364Ala (NM_001363604.2); short protein forms V364A, V382A, V365A, V391A.
Identifiers: ClinVar variation 946139 (VCV000946139.9), dbSNP rs374317740, ClinGen allele CA6239727.

ClinVar aggregate classification (germline): Uncertain significance. Review status: criteria provided, multiple submitters, no conflicts (2 of 4 stars). 2 submissions from 2 submitters: Uncertain significance (2). Last evaluated 2025-09-09.

Conditions:
Inborn genetic diseases. Identifiers: MedGen C0950123, MeSH D030342.
Mosaic variegated aneuploidy syndrome 2 (MVA2). Identifiers: Orphanet 1052, MedGen C3279843, MONDO:0013582, OMIM 614114.

Allele frequency attached by ClinVar (database versions not stated): ExAC 0.00001; TOPMed 0.00001; gnomAD exomes 0.00003 and 0.00001; ESP Exome Variant Server 0.00008; gnomAD 0.00001.
gnomAD v4.1: 40 of 1,613,874 alleles (0.0025%); highest among the groups gnomAD compares: Non-Finnish European, 0.0032%; no homozygotes.

Submissions (2):

Ambry Genetics
Classification: Uncertain significance for Inborn genetic diseases. Last evaluated: 2025-09-09. Review status: criteria provided, single submitter. Criteria: Ambry Variant Classification Scheme 2023. Collection method: clinical testing. Allele origin: germline.

Labcorp Genetics (formerly Invitae), Labcorp
Classification: Uncertain significance for Mosaic variegated aneuploidy syndrome 2. Last evaluated: 2023-05-22. Review status: criteria provided, single submitter. Criteria: Invitae Variant Classification Sherloc (09022015). Collection method: clinical testing. Allele origin: germline.
Comment: In summary, the available evidence is currently insufficient to determine the role of this variant in disease. Therefore, it has been classified as a Variant of Uncertain Significance. Advanced modeling of protein sequence and biophysical properties (such as structural, functional, and spatial information, amino acid conservation, physicochemical variation, residue mobility, and thermodynamic stability) performed at Invitae indicates that this missense variant is not expected to disrupt CEP57 protein function. This sequence change replaces valine, which is neutral and non-polar, with alanine, which is neutral and non-polar, at codon 391 of the CEP57 protein (p.Val391Ala). This variant is present in population databases (rs374317740, gnomAD 0.003%). This variant has not been reported in the literature in individuals affected with CEP57-related conditions. ClinVar contains an entry for this variant (Variation ID: 946139).